The following is an entry in ClinVar:

NM_000059.4(BRCA2):c.4677del (p.Phe1559fs)

Gene: BRCA2 (BRCA2 DNA repair associated; plus strand). Cytogenetic location: 13q13.1.
Variant type: Deletion.
Coding change: c.4677del on transcript NM_000059.4 (MANE Select); coding-DNA position 4677, one base deleted (T; older notation c.4677delT).
Protein change: p.Phe1559fs; shifts the reading frame from phenylalanine 1559.
Molecular consequence: frameshift variant.
Genome position (GRCh38, 1-based): chr13:32,339,032, T deleted; the last of 4 consecutive T bases (chr13:32,339,029-32,339,032); deleting any one gives the same sequence. VCF-style (leftmost placement, unchanged base first): chr13-32339028-GT-G. GRCh37 (hg19) VCF-style: chr13-32913165-GT-G.
Other names: c.4677delT (NM_000059.3); short protein forms F1559fs.
Identifiers: ClinVar variation 420798 (VCV000420798.45), dbSNP rs1064794708, ClinGen allele CA16619713.

ClinVar aggregate classification (germline): Pathogenic. Review status: reviewed by expert panel (3 of 4 stars). 10 submissions from 10 submitters: Pathogenic (1). 9 of the submissions do not count toward it. Last evaluated 2017-12-15.

Conditions:
Hereditary cancer-predisposing syndrome. Also called: Neoplastic Syndromes, Hereditary; Hereditary neoplastic syndrome; Hereditary Cancer Syndrome; Tumor predisposition. Identifiers: Orphanet 140162, MedGen C0027672, MeSH D009386, MONDO:0015356.
Hereditary breast ovarian cancer syndrome. Also called: Hereditary breast and/or ovarian cancer syndrome; BRCA1- and BRCA2-Associated Hereditary Breast and Ovarian Cancer; Hereditary breast and ovarian cancer syndrome; Breast and ovarian cancer; Hereditary breast and ovarian cancer; Hereditary breast and ovarian cancer syndrome (HBOC). Identifiers: Orphanet 145, MedGen C0677776, MeSH D061325, MONDO:0003582. Disease mechanism: loss of function.
Breast-ovarian cancer, familial, susceptibility to, 2 (BROVCA2). Also called: BRCA2 Hereditary Breast and Ovarian Cancer. Identifiers: Orphanet 145, MedGen C2675520, MONDO:0012933, OMIM 612555. Disease mechanism: loss of function.
Malignant tumor of breast. Also called: Malignant breast neoplasm; Cancer breast. Identifiers: MedGen C0006142, MONDO:0007254. Disease mechanism: loss of function.

Submissions (10):

Evidence-based Network for the Interpretation of Germline Mutant Alleles (ENIGMA)
Classification: Pathogenic for Breast-ovarian cancer, familial, susceptibility to, 2. Last evaluated: 2017-12-15. Review status: reviewed by expert panel. Criteria: ENIGMA BRCA1/2 Classification Criteria (2017-06-29). Collection method: curation. Allele origin: germline. Study: ENIGMA.
Comment: Variant allele predicted to encode a truncated non-functional protein.

Ambry Genetics
Classification: Pathogenic for Hereditary cancer-predisposing syndrome. Last evaluated: 2026-07-13. Review status: criteria provided, single submitter. Criteria: Ambry Variant Classification Scheme 2023. Collection method: clinical testing. Allele origin: germline. Not counted in ClinVar's aggregate classification.
Comment: The c.4677delT alteration, located in exon 11 (coding exon 10) of the BRCA2 gene, consists of a deletion of one nucleotide at position 4677, causing a translational frameshift with a predicted alternate stop codon after amino acids. This variant is expected to result in loss of function by premature protein truncation or nonsense-mediated mRNA decay. This variant was not reported in population-based cohorts in the Genome Aggregation Database (gnomAD). Based on the available evidence, this alteration is classified as pathogenic.

Labcorp Genetics (formerly Invitae), Labcorp
Classification: Pathogenic for Hereditary breast ovarian cancer syndrome. Last evaluated: 2025-11-05. Review status: criteria provided, single submitter. Criteria: Invitae Variant Classification Sherloc (09022015). Collection method: clinical testing. Allele origin: germline. Not counted in ClinVar's aggregate classification.
Comment: This sequence change creates a premature translational stop signal (p.Phe1559Leufs*9) in the BRCA2 gene. It is expected to result in an absent or disrupted protein product. Loss-of-function variants in BRCA2 are known to be pathogenic (PMID: 20104584). This variant is not present in population databases (gnomAD no frequency). This variant has not been reported in the literature in individuals affected with BRCA2-related conditions. ClinVar contains an entry for this variant (Variation ID: 420798). For these reasons, this variant has been classified as Pathogenic.

GeneDx
Classification: Pathogenic. Last evaluated: 2023-07-20. Review status: criteria provided, single submitter. Criteria: GeneDx Variant Classification Process June 2021. Collection method: clinical testing. Allele origin: germline. Affected: yes. Not counted in ClinVar's aggregate classification.
Comment: Frameshift variant predicted to result in protein truncation or nonsense mediated decay in a gene for which loss-of-function is a known mechanism of disease; Truncating variants in this gene are considered pathogenic by a well-established clinical consortium and/or database; Not observed at significant frequency in large population cohorts (gnomAD); Also known as 4905delT; This variant is associated with the following publications: (PMID: 30322717, 31771539, 32467295)

Clinical Genetics Laboratory, Skane University Hospital Lund
Classification: Pathogenic. Last evaluated: 2023-05-05. Review status: criteria provided, single submitter. Criteria: ACMG Guidelines, 2015. Collection method: clinical testing. Allele origin: germline. Affected: yes. Not counted in ClinVar's aggregate classification.

Color Diagnostics, LLC DBA Color Health
Classification: Pathogenic for Hereditary cancer-predisposing syndrome. Last evaluated: 2021-06-22. Review status: criteria provided, single submitter. Criteria: ACMG Guidelines, 2015. Collection method: clinical testing. Allele origin: germline. Not counted in ClinVar's aggregate classification.
Comment: This variant deletes 1 nucleotide in exon 11 of the BRCA2 gene, creating a frameshift and premature translation stop signal. This variant is expected to result in an absent or non-functional protein product. To our knowledge, functional studies have not been reported for this variant. This variant has been detected in at least two individuals affected with high-risk breast cancer and ovarian cancer (PMID: 20104584, 30322717). This variant has not been identified in the general population by the Genome Aggregation Database (gnomAD). Loss of BRCA2 function is a known mechanism of disease. Based on the available evidence, this variant is classified as Pathogenic.

Quest Diagnostics Nichols Institute San Juan Capistrano
Classification: Pathogenic. Last evaluated: 2019-09-16. Review status: criteria provided, single submitter. Criteria: Quest Diagnostics criteria. Collection method: clinical testing. Allele origin: unknown. Not counted in ClinVar's aggregate classification.
Comment: The variant results in a shift of the reading frame, and is therefore predicted to result in the loss of a functional protein. Found in at least one patient with expected phenotype for this gene, and found in general population data at a frequency that is consistent with pathogenicity.

Clinical Genetics and Genomics, Karolinska University Hospital
Classification: Pathogenic. Last evaluated: 2015-03-31. Review status: criteria provided, single submitter. Criteria: ACMG Guidelines, 2015. Collection method: clinical testing. Allele origin: germline. Affected: yes. Observed: 7 variant alleles. Not counted in ClinVar's aggregate classification.

BRCAlab, Lund University
Classification: Pathogenic for Breast-ovarian cancer, familial, susceptibility to, 2. Last evaluated: 2022-08-26. Review status: no assertion criteria provided. Collection method: clinical testing. Allele origin: germline. Affected: yes. Not counted in ClinVar's aggregate classification.

Department of Pathology and Laboratory Medicine, Sinai Health System
Classification: Pathogenic for Malignant tumor of breast. Review status: no assertion criteria provided. Collection method: clinical testing. Allele origin: unknown. Affected: yes. Study: The Canadian Open Genetics Repository (COGR). Not counted in ClinVar's aggregate classification.
Comment: The BRCA2 p.Phe1559LeufsX9 variant was not identified in the literature, nor was it identified in the dbSNP, NHLBI Exome Sequencing Project (Exome Variant Server), Exome Aggregation Consortium (ExAC), HGMD, LOVD, COSMIC, ClinVar, Clinvitae, ARUP Laboratories BRCA Mutations Database, GeneInsight COGR, BIC or UMD. The p.Phe1559LeufsX9 deletion variant is predicted to cause a frameshift, which alters the protein's amino acid sequence beginning at codon 1559 and leads to a premature stop codon 9 codons downstream. This alteration is then predicted to result in a truncated or absent protein and loss of function. Loss of function variants of the BRCA2 gene are an established mechanism of disease in hereditary breast and ovarian cancer and is the type of variant expected to cause the disorder. In summary, based on the above information, this variant meets our laboratoryâ€šÃ„Ã´s criteria to be classified as pathogenic.

Literature cited by the submitters: PubMed 30322717 (cited by Ambry Genetics); PubMed 20104584 (cited by Labcorp Genetics (formerly Invitae), Labcorp).